The following is an entry in ClinVar:

ClinVar aggregate classification (germline): Benign (0 of 4 stars; one submission).

Conditions:
KLK3-related disorder. Also called: KLK3-related condition.

Allele frequency attached by ClinVar (database versions not stated): 1000 Genomes Project 30x 0.33948; 1000 Genomes Project 0.33986; ESP Exome Variant Server 0.35791; TOPMed 0.36779; gnomAD 0.36913; ExAC 0.39717; gnomAD exomes 0.40983.

Submission:

PreventionGenetics, part of Exact Sciences
Classification: Benign for KLK3-related condition. Last evaluated: 2019-10-18. Review status: no assertion criteria provided. Collection method: clinical testing. Allele origin: germline.
Comment: This variant is classified as benign based on ACMG/AMP sequence variant interpretation guidelines (Richards et al. 2015 PMID: 25741868, with internal and published modifications).

NM_001648.2(KLK3):c.48T>C (p.Gly16=)

Gene: KLK3 (kallikrein related peptidase 3; plus strand). Cytogenetic location: 19q13.33.
Variant type: single nucleotide variant.
Coding change: c.48T>C on transcript NM_001648.2 (MANE Select); coding-DNA position 48, T replaced by C.
Protein change: p.Gly16=; no amino-acid change (glycine 16 retained).
Molecular consequence: synonymous variant.
Genome position (GRCh38, 1-based): chr19:50,856,241, T>C. VCF-style: chr19-50856241-T-C. GRCh37 (hg19) VCF-style: chr19-51359497-T-C.
Other names: c.48T>C, p.Gly16= (NM_001030047.1, NM_001030048.1).
Identifiers: ClinVar variation 3059788 (VCV003059788.2), dbSNP rs11573, ClinGen allele CA9604298.